The following is an entry in ClinVar:

NM_001046.3(SLC12A2):c.283G>A (p.Ala95Thr)

Genes: SLC12A2 (solute carrier family 12 member 2; plus strand), LOC129994526 (ATAC-STARR-seq lymphoblastoid silent region 16295; plus strand). Cytogenetic location: 5q23.3.
Variant type: single nucleotide variant.
Coding change: c.283G>A on transcript NM_001046.3 (MANE Select); coding-DNA position 283, G replaced by A.
Protein change: p.Ala95Thr; replaces alanine 95 with threonine.
Molecular consequence: missense variant. On other transcripts: non-coding transcript variant (1).
Genome position (GRCh38, 1-based): chr5:128,084,237, G>A. VCF-style: chr5-128084237-G-A. GRCh37 (hg19) VCF-style: chr5-127419929-G-A.
Other names: c.283G>A, p.Ala95Thr (NM_001256461.2); short protein forms A95T.
Identifiers: ClinVar variation 4749450 (VCV004749450.1).
Genomic context (GRCh38, chr5:128,084,237, plus strand): 5'-ACCCCGAGCCAGAGCCGTTTCCAGGTGGACCTGGTTTCCGAGAACGCCGGGCGGGCCGCT[G>A]CTGCGGCGGCGGCGGCGGCGGCGGCAGCGGCGGCGGCTGGTGCTGGGGCGGGGGCCAAGC-3'
Protein context (NP_001037.1, residues 85-105): LVSENAGRAA[Ala95Thr]AAAAAAAAAA

ClinVar aggregate classification (germline): Uncertain significance (1 of 4 stars; one submission).

gnomAD v4.1: 6 of 1,283,006 alleles (0.00047%); highest among the groups gnomAD compares: Non-Finnish European, 0.00049%; no homozygotes.

Submission:

Labcorp Genetics (formerly Invitae), Labcorp
Classification: Uncertain significance. Last evaluated: 2026-01-14. Review status: criteria provided, single submitter. Criteria: Invitae Variant Classification Sherloc (09022015). Collection method: clinical testing. Allele origin: germline.
Comment: This sequence change replaces alanine, which is neutral and non-polar, with threonine, which is neutral and polar, at codon 95 of the SLC12A2 protein (p.Ala95Thr). This variant is not present in population databases (gnomAD no frequency). This variant has not been reported in the literature in individuals affected with SLC12A2-related conditions. Invitae Evidence Modeling of protein sequence and biophysical properties (such as structural, functional, and spatial information, amino acid conservation, physicochemical variation, residue mobility, and thermodynamic stability) indicates that this missense variant is not expected to disrupt SLC12A2 protein function with a negative predictive value of 95%. In summary, the available evidence is currently insufficient to determine the role of this variant in disease. Therefore, it has been classified as a Variant of Uncertain Significance.